The following is an entry in ClinVar:

ClinVar aggregate classification (germline): Likely benign (1 of 4 stars; one submission).

Allele frequency attached by ClinVar (database versions not stated): ExAC below 0.00001; TOPMed 0.00022; gnomAD 0.00027 and 0.00030.
gnomAD v4.1: 64 of 1,414,852 alleles (0.0045%); highest among the groups gnomAD compares: African/African-American, 0.091%; no homozygotes.

Submission:

GeneDx
Classification: Likely benign. Last evaluated: 2017-10-02. Review status: criteria provided, single submitter. Criteria: GeneDx Variant Classification (06012015). Collection method: clinical testing. Allele origin: germline. Affected: yes.
Comment: This variant is considered likely benign or benign based on one or more of the following criteria: it is a conservative change, it occurs at a poorly conserved position in the protein, it is predicted to be benign by multiple in silico algorithms, and/or has population frequency not consistent with disease.

NM_001698.3(AUH):c.-13G>A

Genes: AUH (AU RNA binding methylglutaconyl-CoA hydratase; minus strand), LOC130002059 (ATAC-STARR-seq lymphoblastoid silent region 20025; plus strand). Cytogenetic location: 9q22.31.
Variant type: single nucleotide variant.
Coding change: c.-13G>A on transcript NM_001698.3 (MANE Select); 13 bases upstream of the start codon, G replaced by A.
Molecular consequence: 5 prime UTR variant.
Genome position (GRCh38, 1-based): chr9:91,361,902, C>T on the plus strand (G>A on the coding strand, the complement: AUH is on the minus strand). VCF-style: chr9-91361902-C-T. GRCh37 (hg19) VCF-style: chr9-94124184-C-T.
Other names: c.-13G>A (NM_001306190.2); c.-410G>A (NM_001351431.2, NM_001351433.2); c.-502G>A (NM_001351432.2).
Identifiers: ClinVar variation 512108 (VCV000512108.1), dbSNP rs747993826, ClinGen allele CA5119965.
Genomic context (GRCh38, chr9:91,361,902, plus strand): 5'-ATGCAGGGATCCCAAGGCCCCAGGTGCCGCCGCCACCGCGGCCGCCATGTTGTCTGTTTA[C>T]GGCGTGGACCTGCGACGGCCGCTCCGCCCCCGCCCGGCGCCGACCTGCCGCGCGCACGCG-3'